The following is an entry in ClinVar:

ClinVar aggregate classification (germline): Uncertain significance (1 of 4 stars; one submission).

Conditions:
T-B+ severe combined immunodeficiency due to JAK3 deficiency. Also called: SCID, autosomal recessive, T-negative/B-positive type; SCID, T CELL-NEGATIVE, B CELL-POSITIVE, NK CELL-NEGATIVE. Identifiers: Orphanet 35078, MedGen C1833275, MONDO:0010938, OMIM 600802.

gnomAD v4.1: 4 of 1,611,108 alleles (0.00025%); highest among the groups gnomAD compares: East Asian, 0.0067%; no homozygotes.

Submission:

Labcorp Genetics (formerly Invitae), Labcorp
Classification: Uncertain significance for T-B+ severe combined immunodeficiency due to JAK3 deficiency. Last evaluated: 2022-07-06. Review status: criteria provided, single submitter. Criteria: Invitae Variant Classification Sherloc (09022015). Collection method: clinical testing. Allele origin: germline.
Comment: In summary, the available evidence is currently insufficient to determine the role of this variant in disease. Therefore, it has been classified as a Variant of Uncertain Significance. Algorithms developed to predict the effect of missense changes on protein structure and function (SIFT, PolyPhen-2, Align-GVGD) all suggest that this variant is likely to be tolerated. This variant has not been reported in the literature in individuals affected with JAK3-related conditions. This variant is present in population databases (no rsID available, gnomAD 0.005%). This sequence change replaces histidine, which is basic and polar, with arginine, which is basic and polar, at codon 447 of the JAK3 protein (p.His447Arg).

NM_000215.4(JAK3):c.1340A>G (p.His447Arg)

Gene: JAK3 (Janus kinase 3; minus strand). Cytogenetic location: 19p13.11.
Variant type: single nucleotide variant.
Coding change: c.1340A>G on transcript NM_000215.4 (MANE Select); coding-DNA position 1340, A replaced by G.
Protein change: p.His447Arg; replaces histidine 447 with arginine.
Molecular consequence: missense variant.
Genome position (GRCh38, 1-based): chr19:17,839,578, T>C on the plus strand (A>G on the coding strand, the complement: JAK3 is on the minus strand). VCF-style: chr19-17839578-T-C. GRCh37 (hg19) VCF-style: chr19-17950387-T-C.
Other names: short protein forms H447R.
Identifiers: ClinVar variation 1964268 (VCV001964268.5), dbSNP rs1170573879, ClinGen allele CA404770327.